The following is an entry in ClinVar:

NM_006941.4(SOX10):c.1205_1209del (p.Asp401_Tyr402insTer)

Genes: POLR2F (RNA polymerase II, I and III subunit F; plus strand), SOX10 (SRY-box transcription factor 10; minus strand). Cytogenetic location: 22q13.1.
Variant type: Deletion.
Coding change: c.1205_1209del on transcript NM_006941.4 (MANE Select); coding-DNA positions 1205 to 1209, 5 bases deleted (ACTCT; older notation c.1205_1209delACTCT).
Protein change: p.Asp401_Tyr402insTer.
Molecular consequence: nonsense. On other transcripts: frameshift variant (1), intron variant (3).
Genome position (GRCh38, 1-based): chr22:37,973,687-37,973,691, AGAGT deleted on the plus strand (ACTCT on the coding strand, the reverse complement: SOX10 is on the minus strand); deleting any 5 consecutive bases within chr22:37,973,687-37,973,693 gives the same sequence; the c. name uses the placement nearest the transcript's 3' end. VCF-style (leftmost placement, unchanged base first): chr22-37973686-CAGAGT-C. GRCh37 (hg19) VCF-style: chr22-38369693-CAGAGT-C.
Other names: c.1203_1207delCTACT, p.Tyr402Terfs (NM_006941.3); c.*38+1379_*38+1383del (NM_001363825.1); c.293+6519_293+6523del (NM_001301130.2, NM_001301131.2).
Identifiers: ClinVar variation 518422 (VCV000518422.7), dbSNP rs1569167586, ClinGen allele CA658824192.

ClinVar aggregate classification (germline): Pathogenic (1 of 4 stars; one submission).

Conditions:
Waardenburg syndrome type 4C (WS4C). Also called: WAARDENBURG SYNDROME WITH HIRSCHSPRUNG DISEASE, TYPE 4C. Identifiers: Orphanet 897, MedGen C2750452, MONDO:0013202, OMIM 613266.

Submission:

Area of Clinical and Molecular Genetics, Hospital Universitario Vall de Hebron
Classification: Pathogenic for Waardenburg syndrome type 4C. Last evaluated: 2017-08-22. Review status: criteria provided, single submitter. Criteria: ACMG Guidelines, 2015. Collection method: clinical testing. Allele origin: maternal, de novo. Inheritance: Autosomal dominant inheritance. Affected: yes. Observed: 3 variant alleles, 3 heterozygotes. Clinical features observed: Anosmia (HP:0000458), Aganglionic megacolon (HP:0002251), Hypertelorism (HP:0000316), Demyelinating sensory neuropathy (HP:0011402), Abnormal inner ear morphology (HP:0011390), Hypoplasia of olfactory bulb, Chronic constipation (HP:0012450), Demyelinating peripheral neuropathy (HP:0007108).
Comment: This variant results in the deletion of 5 nucleotids and the creation of a termination codon at position 402 of the protein, which predicts a truncated protein 66 aminoacid shorter than the wild type.